The following is an entry in ClinVar:

NM_024057.4(NUP37):c.723-7C>A

Gene: NUP37 (nucleoporin 37; minus strand). Cytogenetic location: 12q23.2.
Variant type: single nucleotide variant.
Coding change: c.723-7C>A on transcript NM_024057.4 (MANE Select); 7 bases into the intron before coding-DNA position 723, C replaced by A.
Molecular consequence: intron variant.
Genome position (GRCh38, 1-based): chr12:102,076,854, G>T on the plus strand (C>A on the coding strand, the complement: NUP37 is on the minus strand). VCF-style: chr12-102076854-G-T. GRCh37 (hg19) VCF-style: chr12-102470632-G-T.
Other names: NC_000012.11:g.102470632G>T.
Identifiers: ClinVar variation 3042298 (VCV003042298.3), dbSNP rs58553320, ClinGen allele CA6747578.
Genomic context (GRCh38, chr12:102,076,854, plus strand): 5'-TACCTGAATAAGCAGGCTCGATCCATGTGAACAGGTCTCTTATTTTGAGGATAACTAAAA[G>T]ATAATATTTTGCATTTTATGAATTATGTGTTAAACTCAAGTGGGTGAACTTAAGGTTTAA-3'

ClinVar aggregate classification (germline): Benign (0 of 4 stars; one submission).

Conditions:
NUP37-related disorder. Also called: NUP37-related condition.

Allele frequency attached by ClinVar (database versions not stated): ExAC 0.02702; 1000 Genomes Project 0.03295; 1000 Genomes Project 30x 0.03513; gnomAD 0.03715; ESP Exome Variant Server 0.03745; TOPMed 0.03751.
gnomAD v4.1: 40,701 of 1,607,552 alleles (2.5%); highest among the groups gnomAD compares: African/African-American, 6.7%; 671 homozygotes.

Submissions 1 to 32 of 67:

PreventionGenetics, part of Exact Sciences
Classification: Benign for NUP37-related condition. Last evaluated: 2019-12-18. Review status: no assertion criteria provided. Collection method: clinical testing. Allele origin: germline.
Comment: This variant is classified as benign based on ACMG/AMP sequence variant interpretation guidelines (Richards et al. 2015 PMID: 25741868, with internal and published modifications).

Dr. Peter K. Rogan Lab, Western University
No classification provided (evidence only). Condition: Clear cell carcinoma of kidney. Review status: no classification provided. Collection method: in vitro. Allele origin: not applicable. Functional consequence: retained intron. Not counted in ClinVar's aggregate classification.

Dr. Peter K. Rogan Lab, Western University
No classification provided (evidence only). Condition: Clear cell carcinoma of kidney. Review status: no classification provided. Collection method: in vitro. Allele origin: not applicable. Functional consequence: retained intron. Not counted in ClinVar's aggregate classification.

Dr. Peter K. Rogan Lab, Western University
No classification provided (evidence only). Condition: Clear cell carcinoma of kidney. Review status: no classification provided. Collection method: in vitro. Allele origin: not applicable. Functional consequence: retained intron. Not counted in ClinVar's aggregate classification.

Dr. Peter K. Rogan Lab, Western University
No classification provided (evidence only). Condition: Clear cell carcinoma of kidney. Review status: no classification provided. Collection method: in vitro. Allele origin: not applicable. Functional consequence: skipped exon. Not counted in ClinVar's aggregate classification.

Dr. Peter K. Rogan Lab, Western University
No classification provided (evidence only). Condition: Clear cell carcinoma of kidney. Review status: no classification provided. Collection method: in vitro. Allele origin: not applicable. Functional consequence: skipped exon, retained intron. Not counted in ClinVar's aggregate classification.

Dr. Peter K. Rogan Lab, Western University
No classification provided (evidence only). Condition: Clear cell carcinoma of kidney. Review status: no classification provided. Collection method: in vitro. Allele origin: not applicable. Functional consequence: skipped exon, retained intron. Not counted in ClinVar's aggregate classification.

Dr. Peter K. Rogan Lab, Western University
No classification provided (evidence only). Condition: Clear cell carcinoma of kidney. Review status: no classification provided. Collection method: in vitro. Allele origin: not applicable. Functional consequence: skipped exon, retained intron. Not counted in ClinVar's aggregate classification.

Dr. Peter K. Rogan Lab, Western University
No classification provided (evidence only). Condition: Clear cell carcinoma of kidney. Review status: no classification provided. Collection method: in vitro. Allele origin: not applicable. Functional consequence: retained intron. Not counted in ClinVar's aggregate classification.

Dr. Peter K. Rogan Lab, Western University
No classification provided (evidence only). Condition: Clear cell carcinoma of kidney. Review status: no classification provided. Collection method: in vitro. Allele origin: not applicable. Functional consequence: skipped exon, retained intron. Not counted in ClinVar's aggregate classification.

Dr. Peter K. Rogan Lab, Western University
No classification provided (evidence only). Condition: Lung cancer. Review status: no classification provided. Collection method: in vitro. Allele origin: not applicable. Functional consequence: retained intron. Not counted in ClinVar's aggregate classification.

Dr. Peter K. Rogan Lab, Western University
No classification provided (evidence only). Condition: Lung cancer. Review status: no classification provided. Collection method: in vitro. Allele origin: not applicable. Functional consequence: retained intron. Not counted in ClinVar's aggregate classification.

Dr. Peter K. Rogan Lab, Western University
No classification provided (evidence only). Condition: Lung cancer. Review status: no classification provided. Collection method: in vitro. Allele origin: not applicable. Functional consequence: retained intron. Not counted in ClinVar's aggregate classification.

Dr. Peter K. Rogan Lab, Western University
No classification provided (evidence only). Condition: Lung cancer. Review status: no classification provided. Collection method: in vitro. Allele origin: not applicable. Functional consequence: skipped exon. Not counted in ClinVar's aggregate classification.

Dr. Peter K. Rogan Lab, Western University
No classification provided (evidence only). Condition: Lung cancer. Review status: no classification provided. Collection method: in vitro. Allele origin: not applicable. Functional consequence: skipped exon. Not counted in ClinVar's aggregate classification.

Dr. Peter K. Rogan Lab, Western University
No classification provided (evidence only). Condition: Acute myeloid leukemia. Review status: no classification provided. Collection method: in vitro. Allele origin: not applicable. Functional consequence: retained intron. Not counted in ClinVar's aggregate classification.

Dr. Peter K. Rogan Lab, Western University
No classification provided (evidence only). Condition: Acute myeloid leukemia. Review status: no classification provided. Collection method: in vitro. Allele origin: not applicable. Functional consequence: skipped exon. Not counted in ClinVar's aggregate classification.

Dr. Peter K. Rogan Lab, Western University
No classification provided (evidence only). Condition: Acute myeloid leukemia. Review status: no classification provided. Collection method: in vitro. Allele origin: not applicable. Functional consequence: retained intron. Not counted in ClinVar's aggregate classification.

Dr. Peter K. Rogan Lab, Western University
No classification provided (evidence only). Condition: Acute myeloid leukemia. Review status: no classification provided. Collection method: in vitro. Allele origin: not applicable. Functional consequence: retained intron. Not counted in ClinVar's aggregate classification.

Dr. Peter K. Rogan Lab, Western University
No classification provided (evidence only). Condition: Acute myeloid leukemia. Review status: no classification provided. Collection method: in vitro. Allele origin: not applicable. Functional consequence: retained intron. Not counted in ClinVar's aggregate classification.

Dr. Peter K. Rogan Lab, Western University
No classification provided (evidence only). Condition: Acute myeloid leukemia. Review status: no classification provided. Collection method: in vitro. Allele origin: not applicable. Functional consequence: retained intron. Not counted in ClinVar's aggregate classification.

Dr. Peter K. Rogan Lab, Western University
No classification provided (evidence only). Condition: Acute myeloid leukemia. Review status: no classification provided. Collection method: in vitro. Allele origin: not applicable. Functional consequence: skipped exon, retained intron. Not counted in ClinVar's aggregate classification.

Dr. Peter K. Rogan Lab, Western University
No classification provided (evidence only). Condition: Cervical cancer. Review status: no classification provided. Collection method: in vitro. Allele origin: not applicable. Functional consequence: skipped exon, retained intron. Not counted in ClinVar's aggregate classification.

Dr. Peter K. Rogan Lab, Western University
No classification provided (evidence only). Condition: Cervical cancer. Review status: no classification provided. Collection method: in vitro. Allele origin: not applicable. Functional consequence: skipped exon. Not counted in ClinVar's aggregate classification.

Dr. Peter K. Rogan Lab, Western University
No classification provided (evidence only). Condition: Cervical cancer. Review status: no classification provided. Collection method: in vitro. Allele origin: not applicable. Functional consequence: skipped exon, retained intron. Not counted in ClinVar's aggregate classification.

Dr. Peter K. Rogan Lab, Western University
No classification provided (evidence only). Condition: Cervical cancer. Review status: no classification provided. Collection method: in vitro. Allele origin: not applicable. Functional consequence: skipped exon, retained intron. Not counted in ClinVar's aggregate classification.

Dr. Peter K. Rogan Lab, Western University
No classification provided (evidence only). Condition: Cervical cancer. Review status: no classification provided. Collection method: in vitro. Allele origin: not applicable. Functional consequence: skipped exon, retained intron. Not counted in ClinVar's aggregate classification.

Dr. Peter K. Rogan Lab, Western University
No classification provided (evidence only). Condition: Cervical cancer. Review status: no classification provided. Collection method: in vitro. Allele origin: not applicable. Functional consequence: skipped exon. Not counted in ClinVar's aggregate classification.

Dr. Peter K. Rogan Lab, Western University
No classification provided (evidence only). Condition: Cervical cancer. Review status: no classification provided. Collection method: in vitro. Allele origin: not applicable. Functional consequence: skipped exon, retained intron. Not counted in ClinVar's aggregate classification.

Dr. Peter K. Rogan Lab, Western University
No classification provided (evidence only). Condition: Cervical cancer. Review status: no classification provided. Collection method: in vitro. Allele origin: not applicable. Functional consequence: skipped exon, retained intron. Not counted in ClinVar's aggregate classification.

Dr. Peter K. Rogan Lab, Western University
No classification provided (evidence only). Condition: Cervical cancer. Review status: no classification provided. Collection method: in vitro. Allele origin: not applicable. Functional consequence: skipped exon, retained intron. Not counted in ClinVar's aggregate classification.

Dr. Peter K. Rogan Lab, Western University
No classification provided (evidence only). Condition: Cervical cancer. Review status: no classification provided. Collection method: in vitro. Allele origin: not applicable. Functional consequence: skipped exon, retained intron. Not counted in ClinVar's aggregate classification.